The following is an entry in ClinVar:

NM_005276.4(GPD1):c.922A>G (p.Ser308Gly)

Gene: GPD1 (glycerol-3-phosphate dehydrogenase 1; plus strand). Cytogenetic location: 12q13.12.
Variant type: single nucleotide variant.
Coding change: c.922A>G on transcript NM_005276.4 (MANE Select); coding-DNA position 922, A replaced by G.
Protein change: p.Ser308Gly; replaces serine 308 with glycine.
Molecular consequence: missense variant.
Genome position (GRCh38, 1-based): chr12:50,108,099, A>G. VCF-style: chr12-50108099-A-G. GRCh37 (hg19) VCF-style: chr12-50501882-A-G.
Other names: c.853A>G, p.Ser285Gly (NM_001257199.2); short protein forms S285G, S308G.
Identifiers: ClinVar variation 3615074 (VCV003615074.2).

ClinVar aggregate classification (germline): Uncertain significance (1 of 4 stars; one submission).

gnomAD v4.1: 2 of 1,610,046 alleles (0.00012%); highest among the groups gnomAD compares: Admixed American, 0.0033%; no homozygotes.

Submission:

Labcorp Genetics (formerly Invitae), Labcorp
Classification: Uncertain significance. Last evaluated: 2024-03-07. Review status: criteria provided, single submitter. Criteria: Invitae Variant Classification Sherloc (09022015). Collection method: clinical testing. Allele origin: germline.
Comment: This sequence change replaces serine, which is neutral and polar, with glycine, which is neutral and non-polar, at codon 308 of the GPD1 protein (p.Ser308Gly). The frequency data for this variant in the population databases is considered unreliable, as metrics indicate poor data quality at this position in the gnomAD database. This variant has not been reported in the literature in individuals affected with GPD1-related conditions. Advanced modeling of protein sequence and biophysical properties (such as structural, functional, and spatial information, amino acid conservation, physicochemical variation, residue mobility, and thermodynamic stability) performed at Invitae indicates that this missense variant is not expected to disrupt GPD1 protein function with a negative predictive value of 80%. In summary, the available evidence is currently insufficient to determine the role of this variant in disease. Therefore, it has been classified as a Variant of Uncertain Significance.